The following is an entry in ClinVar:

NM_004329.3(BMPR1A):c.69A>G (p.Gly23=)

Gene: BMPR1A (bone morphogenetic protein receptor type 1A; plus strand). Cytogenetic location: 10q23.2.
Variant type: single nucleotide variant.
Coding change: c.69A>G on transcript NM_004329.3 (MANE Select); coding-DNA position 69, A replaced by G.
Protein change: p.Gly23=; no amino-acid change (glycine 23 retained).
Molecular consequence: synonymous variant.
Genome position (GRCh38, 1-based): chr10:86,890,063, A>G. VCF-style: chr10-86890063-A-G. GRCh37 (hg19) VCF-style: chr10-88649820-A-G.
Other names: c.69A>G (NM_004329.2).
Identifiers: ClinVar variation 1091876 (VCV001091876.11), dbSNP rs780227469, ClinGen allele CA5585428.

ClinVar aggregate classification (germline): Benign/Likely benign. Review status: criteria provided, multiple submitters, no conflicts (2 of 4 stars). 3 submissions from 3 submitters: Benign (1); Likely benign (2). Last evaluated 2024-07-31.

Conditions:
Juvenile polyposis syndrome (JPS). Identifiers: Orphanet 2929, MedGen C0345893, MONDO:0017380, OMIM 174900.
Hereditary cancer-predisposing syndrome. Also called: Tumor predisposition; Neoplastic Syndromes, Hereditary; Hereditary Cancer Syndrome; Hereditary neoplastic syndrome. Identifiers: Orphanet 140162, MedGen C0027672, MeSH D009386, MONDO:0015356.

Allele frequency attached by ClinVar (database versions not stated): gnomAD exomes below 0.00001; ExAC 0.00001.
gnomAD v4.1: 2 of 1,612,758 alleles (0.00012%); highest among the groups gnomAD compares: Non-Finnish European, 0.00017%; no homozygotes.

Submissions (3):

Myriad Genetics, Inc.
Classification: Benign for Juvenile polyposis syndrome. Last evaluated: 2024-07-31. Review status: criteria provided, single submitter. Criteria: Myriad Autosomal Dominant, Autosomal Recessive and X-Linked Classification Criteria (2023). Collection method: clinical testing. Allele origin: unknown.
Comment: This variant is considered benign. This variant is a silent/synonymous amino acid change and it is not expected to impact splicing.

Ambry Genetics
Classification: Likely benign for Hereditary cancer-predisposing syndrome. Last evaluated: 2024-03-01. Review status: criteria provided, single submitter. Criteria: Ambry Variant Classification Scheme 2023. Collection method: clinical testing. Allele origin: germline.

Labcorp Genetics (formerly Invitae), Labcorp
Classification: Likely benign for Juvenile polyposis syndrome. Last evaluated: 2023-04-14. Review status: criteria provided, single submitter. Criteria: Invitae Variant Classification Sherloc (09022015). Collection method: clinical testing. Allele origin: germline.